The following is an entry in ClinVar:

ClinVar aggregate classification (germline): Pathogenic/Likely pathogenic. Review status: criteria provided, multiple submitters, no conflicts (2 of 4 stars). 2 submissions from 2 submitters: Pathogenic (1); Likely pathogenic (1). Last evaluated 2023-12-24.

Conditions:
Usher syndrome. Also called: Usher Syndromes; Usher's syndrome. Identifiers: Orphanet 886, MedGen CN469326, MeSH D052245, MONDO:0019501. Disease mechanism: loss of function.

Allele frequency attached by ClinVar (database versions not stated): gnomAD exomes below 0.00001.

Submissions (2):

Labcorp Genetics (formerly Invitae), Labcorp
Classification: Pathogenic. Last evaluated: 2023-12-24. Review status: criteria provided, single submitter. Criteria: Invitae Variant Classification Sherloc (09022015). Collection method: clinical testing. Allele origin: germline.
Comment: This sequence change creates a premature translational stop signal (p.Asn389Lysfs*32) in the PCDH15 gene. It is expected to result in an absent or disrupted protein product. Loss-of-function variants in PCDH15 are known to be pathogenic (PMID: 11398101, 11487575, 14570705). This variant is not present in population databases (gnomAD no frequency). This variant has not been reported in the literature in individuals affected with PCDH15-related conditions. ClinVar contains an entry for this variant (Variation ID: 667386). For these reasons, this variant has been classified as Pathogenic.

Laboratory for Molecular Medicine, Mass General Brigham Personalized Medicine
Classification: Likely pathogenic for Usher syndrome. Last evaluated: 2019-01-22. Review status: criteria provided, single submitter. Criteria: LMM Criteria. Collection method: clinical testing. Allele origin: germline. Inheritance: Autosomal recessive inheritance. Observed: 1 variant allele.
Comment: The p.Asn389LysfsX32 variant in PCDH15 has not been previously reported in individuals with hearing loss or Usher syndrome and was absent from large population studies. This variant is predicted to cause a frameshift, which alters the proteinâ€™s amino acid sequence beginning at position 389 and leads to a premature termination codon 32 amino acids downstream. This alteration is then predicted to lead to a truncated or absent protein. Loss of function of the PCDH15 gene is an established disease mechanism in autosomal recessive Usher syndrome. In summary, although additional studies are required to fully establish its clinical significance, this variant meets criteria to be classified as likely pathogenic for autosomal recessive Usher syndrome. ACMG/AMP Criteria applied: PVS1, PM2.

Literature cited by the submitters: PubMed 11398101 (cited by Labcorp Genetics (formerly Invitae), Labcorp); PubMed 11487575 (cited by Labcorp Genetics (formerly Invitae), Labcorp); PubMed 14570705 (cited by Labcorp Genetics (formerly Invitae), Labcorp).

NM_001384140.1(PCDH15):c.1167del (p.Asn389fs)

Gene: PCDH15 (protocadherin related 15; minus strand). Cytogenetic location: 10q21.1.
Variant type: Deletion.
Coding change: c.1167del on transcript NM_001384140.1 (MANE Select); coding-DNA position 1167, one base deleted (C; older notation c.1167delC).
Protein change: p.Asn389fs; shifts the reading frame from asparagine 389.
Molecular consequence: frameshift variant.
Genome position (GRCh38, 1-based): chr10:54,195,821, G deleted on the plus strand (C on the coding strand, the reverse complement: PCDH15 is on the minus strand). VCF-style (leftmost placement, unchanged base first): chr10-54195820-TG-T. GRCh37 (hg19) VCF-style: chr10-55955580-TG-T.
Other names: c.1167del, p.Asn389fs (NM_001354430.2, NM_033056.4, NM_001142764.2 and 7 more transcripts); c.1182del, p.Asn394fs (NM_001142763.2, NM_001142771.2); c.1056del, p.Asn352fs (NM_001142767.2); c.1101del, p.Asn367fs (NM_001142768.2, NM_001142773.2, NM_001354404.2); c.1182delC, p.Asn394Lysfs (NM_001142769.4); short protein forms N352fs, N389fs, N394fs, N367fs.
Identifiers: ClinVar variation 667386 (VCV000667386.8), dbSNP rs1591095476, ClinGen allele CA915945917.